The following is an entry in ClinVar:

ClinVar aggregate classification (germline): Likely benign. Review status: criteria provided, single submitter (1 of 4 stars). 2 submissions from 2 submitters: Likely benign (1). 1 of the submissions does not count toward it. Last evaluated 2024-11-04.

Conditions:
KMT2C-related disorder. Also called: KMT2C-related condition; KMT2C-related disorders.

Allele frequency attached by ClinVar (database versions not stated): gnomAD exomes 0.00032 and 0.00024; ExAC 0.00021; gnomAD 0.00012.
gnomAD v4.1: 279 of 902,654 alleles (0.031%); highest among the groups gnomAD compares: African/African-American, 0.33%; 1 homozygote.

Submissions (2):

Labcorp Genetics (formerly Invitae), Labcorp
Classification: Likely benign. Last evaluated: 2024-11-04. Review status: criteria provided, single submitter. Criteria: Invitae Variant Classification Sherloc (09022015). Collection method: clinical testing. Allele origin: germline.

PreventionGenetics, part of Exact Sciences
Classification: Likely benign for KMT2C-related condition. Last evaluated: 2019-10-28. Review status: no assertion criteria provided. Collection method: clinical testing. Allele origin: germline. Not counted in ClinVar's aggregate classification.
Comment: This variant is classified as likely benign based on ACMG/AMP sequence variant interpretation guidelines (Richards et al. 2015 PMID: 25741868, with internal and published modifications).

NM_170606.3(KMT2C):c.7443-8T>A

Gene: KMT2C (lysine methyltransferase 2C; minus strand). Cytogenetic location: 7q36.1.
Variant type: single nucleotide variant.
Coding change: c.7443-8T>A on transcript NM_170606.3 (MANE Select); 8 bases into the intron before coding-DNA position 7443, T replaced by A.
Molecular consequence: intron variant.
Genome position (GRCh38, 1-based): chr7:152,178,018, A>T on the plus strand (T>A on the coding strand, the complement: KMT2C is on the minus strand). VCF-style: chr7-152178018-A-T. GRCh37 (hg19) VCF-style: chr7-151875103-A-T.
Identifiers: ClinVar variation 739397 (VCV000739397.9), dbSNP rs749396012, ClinGen allele CA4579842.